The following is an entry in ClinVar:

NM_000213.5(ITGB4):c.5172C>T (p.Phe1724=)

Genes: GALK1 (galactokinase 1; minus strand), ITGB4 (integrin subunit beta 4; plus strand). Cytogenetic location: 17q25.1.
Variant type: single nucleotide variant.
Coding change: c.5172C>T on transcript NM_000213.5 (MANE Select); coding-DNA position 5172, C replaced by T.
Protein change: p.Phe1724=; no amino-acid change (phenylalanine 1724 retained).
Molecular consequence: synonymous variant. On other transcripts: intron variant (1).
Genome position (GRCh38, 1-based): chr17:75,757,061, C>T. VCF-style: chr17-75757061-C-T. GRCh37 (hg19) VCF-style: chr17-73753142-C-T.
Other names: c.5121C>T, p.Phe1707= (NM_001005619.2); c.4962C>T, p.Phe1654= (NM_001005731.3, NM_001321123.2); c.4812C>T, p.Phe1604= (NM_001438834.1); c.*22+973G>A (NM_001381985.1).
Identifiers: ClinVar variation 786323 (VCV000786323.22), dbSNP rs144339436, ClinGen allele CA8770479.

ClinVar aggregate classification (germline): Conflicting classifications of pathogenicity. Review status: criteria provided, conflicting classifications (1 of 4 stars). 7 submissions from 7 submitters: Uncertain significance (1); Likely benign (3). 3 of the submissions do not count toward it. Last evaluated 2026-02-04.

Conditions:
Junctional epidermolysis bullosa with pyloric atresia. Also called: CARMI SYNDROME; ITGB4-Related Epidermolysis Bullosa with Pyloric Atresia; Epidermolysis bullosa, junctional, with pyloric atresia and aplasia cutis congenita; Epidermolysis bullosa junctionalis with pyloric atresia; EPIDERMOLYSIS BULLOSA, JUNCTIONAL 5B, WITH PYLORIC ATRESIA; APLASIA CUTIS CONGENITA WITH GASTROINTESTINAL ATRESIA. Identifiers: Orphanet 79403, MedGen C5676875, MONDO:0009183, OMIM 226730.
ITGB4-related disorder. Also called: ITGB4-related condition.

Allele frequency attached by ClinVar (database versions not stated): ESP Exome Variant Server 0.00085; gnomAD exomes 0.00085 and 0.00046; 1000 Genomes Project 30x 0.00047; 1000 Genomes Project 0.00040; ExAC 0.00055; gnomAD 0.00073 and 0.00077; TOPMed 0.00072.
gnomAD v4.1: 1,345 of 1,612,576 alleles (0.083%); highest among the groups gnomAD compares: Non-Finnish European, 0.1%; no homozygotes.

Submissions (7):

Labcorp Genetics (formerly Invitae), Labcorp
Classification: Likely benign. Last evaluated: 2026-02-04. Review status: criteria provided, single submitter. Criteria: Invitae Variant Classification Sherloc (09022015). Collection method: clinical testing. Allele origin: germline.

CeGaT Center for Human Genetics Tuebingen
Classification: Likely benign. Last evaluated: 2025-09-01. Review status: criteria provided, single submitter. Criteria: CeGaT Center For Human Genetics Tuebingen Variant Classification Criteria Version 2. Collection method: clinical testing. Allele origin: germline. Affected: yes. Observed: 1 variant allele.
Comment: ITGB4: BP4, BP7

Blueprint Genetics
Classification: Likely benign. Last evaluated: 2024-10-24. Review status: criteria provided, single submitter. Criteria: ACMG Guidelines, 2015. Collection method: clinical testing. Allele origin: germline.

Illumina Laboratory Services, Illumina
Classification: Uncertain significance for Junctional epidermolysis bullosa with pyloric atresia. Last evaluated: 2018-01-13. Review status: criteria provided, single submitter. Criteria: ICSL Variant Classification Criteria 13 December 2019. Collection method: clinical testing. Allele origin: germline.

PreventionGenetics, part of Exact Sciences
Classification: Likely benign for ITGB4-related condition. Last evaluated: 2019-05-21. Review status: no assertion criteria provided. Collection method: clinical testing. Allele origin: germline. Not counted in ClinVar's aggregate classification.
Comment: This variant is classified as likely benign based on ACMG/AMP sequence variant interpretation guidelines (Richards et al. 2015 PMID: 25741868, with internal and published modifications).

Clinical Genetics DNA and cytogenetics Diagnostics Lab, Erasmus MC, Erasmus Medical Center
Classification: Likely benign. Review status: no assertion criteria provided. Collection method: clinical testing. Allele origin: germline. Affected: yes. Study: VKGL Data-share Consensus. Not counted in ClinVar's aggregate classification.

Genome Diagnostics Laboratory, University Medical Center Utrecht
Classification: Likely benign. Review status: no assertion criteria provided. Collection method: clinical testing. Allele origin: germline. Affected: yes. Study: VKGL Data-share Consensus. Not counted in ClinVar's aggregate classification.